The following is an entry in ClinVar:

ClinVar aggregate classification (germline): Conflicting classifications of pathogenicity. Review status: criteria provided, conflicting classifications (1 of 4 stars). 7 submissions from 7 submitters: Uncertain significance (4); Likely benign (3). Last evaluated 2026-05-05.

Conditions:
BAP1-related disorder. Also called: BAP1-related condition.
Hereditary cancer-predisposing syndrome. Also called: Neoplastic Syndromes, Hereditary; Hereditary Cancer Syndrome; Tumor predisposition; Hereditary neoplastic syndrome. Identifiers: Orphanet 140162, MedGen C0027672, MeSH D009386, MONDO:0015356.
BAP1-related tumor predisposition syndrome (TPDS1). Also called: Tumor susceptibility linked to germline BAP1 mutations; COMMON Syndrome; BAP1 tumor predisposition syndrome; TUMOR PREDISPOSITION SYNDROME 1. Identifiers: Orphanet 289539, MedGen C3280492, MONDO:0013692, OMIM 614327.

Allele frequency attached by ClinVar (database versions not stated): ExAC 0.00002; gnomAD exomes 0.00003; gnomAD 0.00004 and 0.00005; TOPMed 0.00006; ESP Exome Variant Server 0.00015.

Submissions (7):

PreventionGenetics, part of Exact Sciences
Classification: Uncertain significance for BAP1-related condition. Last evaluated: 2026-05-05. Review status: criteria provided, single submitter. Criteria: ACMG Guidelines, 2015. Collection method: clinical testing. Allele origin: germline.
Comment: The BAP1 c.1810G>A variant is predicted to result in the amino acid substitution p.Val604Met. This variant has been identified in individuals with melanoma and in a cohort of individuals who met relaxed International Cowden Consortium (ICC) diagnostic criteria for Cowden syndrome (Aoude et al. 2015. PubMed ID: 25787093; Yehia et al. 2018. PubMed ID: 29684080). This variant is reported in 0.0077% of alleles in individuals of European (Non-Finnish) descent in gnomAD and and has conflicting interpretations in ClinVar ranging from likely benign to uncertain (Variation ID: 489628). Although we suspect that this variant may be benign, at this time, the clinical significance of this variant is uncertain due to the absence of conclusive functional and genetic evidence.

Labcorp Genetics (formerly Invitae), Labcorp
Classification: Uncertain significance for BAP1-related tumor predisposition syndrome. Last evaluated: 2026-01-13. Review status: criteria provided, single submitter. Criteria: Invitae Variant Classification Sherloc (09022015). Collection method: clinical testing. Allele origin: germline.
Comment: This sequence change replaces valine, which is neutral and non-polar, with methionine, which is neutral and non-polar, at codon 604 of the BAP1 protein (p.Val604Met). This variant is present in population databases (rs369065146, gnomAD 0.008%). This missense change has been observed in individual(s) with cutaneous melanoma (PMID: 25787093). ClinVar contains an entry for this variant (Variation ID: 489628). Invitae Evidence Modeling of protein sequence and biophysical properties (such as structural, functional, and spatial information, amino acid conservation, physicochemical variation, residue mobility, and thermodynamic stability) indicates that this missense variant is not expected to disrupt BAP1 protein function with a negative predictive value of 80%. In summary, the available evidence is currently insufficient to determine the role of this variant in disease. Therefore, it has been classified as a Variant of Uncertain Significance.

Color Diagnostics, LLC DBA Color Health
Classification: Likely benign for Hereditary cancer-predisposing syndrome. Last evaluated: 2025-11-20. Review status: criteria provided, single submitter. Criteria: ACMG Guidelines, 2015. Collection method: clinical testing. Allele origin: germline.

Myriad Genetics, Inc.
Classification: Likely benign for BAP1-related tumor predisposition syndrome. Last evaluated: 2024-07-17. Review status: criteria provided, single submitter. Criteria: Myriad Autosomal Dominant, Autosomal Recessive and X-Linked Classification Criteria (2023). Collection method: clinical testing. Allele origin: unknown.
Comment: This variant is considered likely benign. This variant has been observed at a population frequency that is significantly greater than expected given the associated disease prevalence and penetrance.

GeneDx
Classification: Uncertain significance. Last evaluated: 2024-03-15. Review status: criteria provided, single submitter. Criteria: GeneDx Variant Classification Process June 2021. Collection method: clinical testing. Allele origin: germline. Affected: yes.
Comment: In silico analysis supports that this missense variant does not alter protein structure/function; This variant is associated with the following publications: (PMID: 26683624, 27422796, 29684080, 25787093)

Quest Diagnostics Nichols Institute San Juan Capistrano
Classification: Uncertain significance. Last evaluated: 2023-07-27. Review status: criteria provided, single submitter. Criteria: Quest Diagnostics criteria. Collection method: clinical testing. Allele origin: unknown.
Comment: In the published literature, this variant has been reported in individuals with cutaneous melanoma (PMID: 25787093 (2015), 29684080 (2018)). The frequency of this variant in the general population, 0.000077 (10/129148 chromosomes (Genome Aggregation Database)), is uninformative in the assessment of its pathogenicity. Analysis of this variant using bioinformatics tools for the prediction of the effect of amino acid changes on protein structure and function yielded conflicting predictions that this variant is deleterious or benign. Based on the available information, we are unable to determine the clinical significance of this variant.

Ambry Genetics
Classification: Likely benign for Hereditary cancer-predisposing syndrome. Last evaluated: 2022-01-10. Review status: criteria provided, single submitter. Criteria: Ambry Variant Classification Scheme 2023. Collection method: clinical testing. Allele origin: germline.

Literature cited by the submitters: PubMed 25787093 (cited by Labcorp Genetics (formerly Invitae), Labcorp and Quest Diagnostics Nichols Institute San Juan Capistrano); PubMed 29684080 (cited by Quest Diagnostics Nichols Institute San Juan Capistrano and Ambry Genetics).

NM_004656.4(BAP1):c.1810G>A (p.Val604Met)

Gene: BAP1 (BRCA1 associated deubiquitinase 1; minus strand). Cytogenetic location: 3p21.1.
Variant type: single nucleotide variant.
Coding change: c.1810G>A on transcript NM_004656.4 (MANE Select); coding-DNA position 1810, G replaced by A.
Protein change: p.Val604Met; replaces valine 604 with methionine.
Molecular consequence: missense variant.
Genome position (GRCh38, 1-based): chr3:52,403,218, C>T on the plus strand (G>A on the coding strand, the complement: BAP1 is on the minus strand). VCF-style: chr3-52403218-C-T. GRCh37 (hg19) VCF-style: chr3-52437234-C-T.
Other names: c.1810G>A (LRG_529t1); short protein forms V604M.
Identifiers: ClinVar variation 489628 (VCV000489628.28), dbSNP rs369065146, ClinGen allele CA2436710.